The following is an entry in ClinVar:

NM_004333.6(BRAF):c.422C>A (p.Pro141His)

Gene: BRAF (B-Raf proto-oncogene, serine/threonine kinase; minus strand). Cytogenetic location: 7q34.
Variant type: single nucleotide variant.
Coding change: c.422C>A on transcript NM_004333.6 (MANE Select); coding-DNA position 422, C replaced by A.
Protein change: p.Pro141His; replaces proline 141 with histidine.
Molecular consequence: missense variant. On other transcripts: intron variant (1).
Genome position (GRCh38, 1-based): chr7:140,834,691, G>T on the plus strand (C>A on the coding strand, the complement: BRAF is on the minus strand). VCF-style: chr7-140834691-G-T. GRCh37 (hg19) VCF-style: chr7-140534491-G-T.
Other names: c.422C>A, p.Pro141His (NM_001354609.2, NM_001374244.1, NM_001374258.1 and 5 more transcripts); c.320C>A, p.Pro107His (NM_001378470.1); c.266C>A, p.Pro89His (NM_001378472.1, NM_001378473.1); c.240+15420C>A (NM_001378475.1); short protein forms P107H, P89H, P141H.
Identifiers: ClinVar variation 3664883 (VCV003664883.3).

ClinVar aggregate classification (germline): Uncertain significance. Review status: criteria provided, multiple submitters, no conflicts (2 of 4 stars). 2 submissions from 2 submitters: Uncertain significance (2). Last evaluated 2024-11-16.

Conditions:
RASopathy. Also called: Noonan spectrum disorder; rasopathies. Identifiers: Orphanet 536391, MedGen C5555857, MONDO:0021060.

gnomAD v4.1: 8 of 1,614,102 alleles (0.0005%); highest among the groups gnomAD compares: Non-Finnish European, 0.00059%; no homozygotes.

Submissions (2):

Labcorp Genetics (formerly Invitae), Labcorp
Classification: Uncertain significance for RASopathy. Last evaluated: 2024-11-16. Review status: criteria provided, single submitter. Criteria: Invitae Variant Classification Sherloc (09022015). Collection method: clinical testing. Allele origin: germline.
Comment: This sequence change replaces proline, which is neutral and non-polar, with histidine, which is basic and polar, at codon 141 of the BRAF protein (p.Pro141His). This variant is not present in population databases (gnomAD no frequency). This variant has not been reported in the literature in individuals affected with BRAF-related conditions. Invitae Evidence Modeling of protein sequence and biophysical properties (such as structural, functional, and spatial information, amino acid conservation, physicochemical variation, residue mobility, and thermodynamic stability) indicates that this missense variant is expected to disrupt BRAF protein function with a positive predictive value of 95%. In summary, the available evidence is currently insufficient to determine the role of this variant in disease. Therefore, it has been classified as a Variant of Uncertain Significance.

Blueprint Genetics
Classification: Uncertain significance. Last evaluated: 2023-08-03. Review status: criteria provided, single submitter. Criteria: ACMG Guidelines, 2015. Collection method: clinical testing. Allele origin: germline.